The following is an entry in ClinVar:

NM_016030.6(TRAPPC12):c.52C>A (p.Pro18Thr)

Gene: TRAPPC12 (trafficking protein particle complex subunit 12; plus strand). Cytogenetic location: 2p25.3.
Variant type: single nucleotide variant.
Coding change: c.52C>A on transcript NM_016030.6 (MANE Select); coding-DNA position 52, C replaced by A.
Protein change: p.Pro18Thr; replaces proline 18 with threonine.
Molecular consequence: missense variant.
Genome position (GRCh38, 1-based): chr2:3,387,675, C>A. VCF-style: chr2-3387675-C-A. GRCh37 (hg19) VCF-style: chr2-3391446-C-A.
Other names: c.52C>A, p.Pro18Thr (NM_001321102.2); short protein forms P18T.
Identifiers: ClinVar variation 4989542 (VCV004989542.1).

ClinVar aggregate classification (germline): Uncertain significance (1 of 4 stars; one submission).

Conditions:
TRAPPC12-related disorder. Also called: TRAPPC12-related condition.

gnomAD v4.1: 10 of 1,557,060 alleles (0.00064%); highest among the groups gnomAD compares: South Asian, 0.0071%; no homozygotes.

Submission:

PreventionGenetics, part of Exact Sciences
Classification: Uncertain significance for TRAPPC12-related condition. Last evaluated: 2025-12-23. Review status: criteria provided, single submitter. Criteria: ACMG Guidelines, 2015. Collection method: clinical testing. Allele origin: germline.
Comment: The TRAPPC12 c.52C>A variant is predicted to result in the amino acid substitution p.Pro18Thr. To our knowledge, this variant has not been reported in the literature. This variant is reported in 0.0086% of alleles in individuals of South Asian descent in gnomAD. At this time, the clinical significance of this variant is uncertain due to the absence of conclusive functional and genetic evidence.